The following is an entry in ClinVar:

ClinVar aggregate classification (germline): Uncertain significance. Review status: criteria provided, multiple submitters, no conflicts (2 of 4 stars). 2 submissions from 2 submitters: Uncertain significance (2). Last evaluated 2025-05-05.

Submissions (2):

Labcorp Genetics (formerly Invitae), Labcorp
Classification: Uncertain significance. Last evaluated: 2025-05-05. Review status: criteria provided, single submitter. Criteria: Invitae Variant Classification Sherloc (09022015). Collection method: clinical testing. Allele origin: germline.
Comment: This sequence change replaces arginine, which is basic and polar, with cysteine, which is neutral and slightly polar, at codon 213 of the TUBB2B protein (p.Arg213Cys). This variant is not present in population databases (gnomAD no frequency). This variant has not been reported in the literature in individuals affected with TUBB2B-related conditions. ClinVar contains an entry for this variant (Variation ID: 1704929). Invitae Evidence Modeling of protein sequence and biophysical properties (such as structural, functional, and spatial information, amino acid conservation, physicochemical variation, residue mobility, and thermodynamic stability) has been performed for this missense variant. However, the output from this modeling did not meet the statistical confidence thresholds required to predict the impact of this variant on TUBB2B protein function. In summary, the available evidence is currently insufficient to determine the role of this variant in disease. Therefore, it has been classified as a Variant of Uncertain Significance.

GeneDx
Classification: Uncertain significance. Last evaluated: 2022-03-08. Review status: criteria provided, single submitter. Criteria: GeneDx Variant Classification Process June 2021. Collection method: clinical testing. Allele origin: germline. Affected: yes.
Comment: Has not been previously published as pathogenic or benign to our knowledge; Not observed at significant frequency in large population cohorts (gnomAD); In silico analysis supports that this missense variant has a deleterious effect on protein structure/function; Missense variants in this gene are often considered pathogenic (HGMD); This variant is associated with the following publications: (PMID: 24860126)

NM_178012.5(TUBB2B):c.637C>T (p.Arg213Cys)

Gene: TUBB2B (tubulin beta 2B class IIb; minus strand). Cytogenetic location: 6p25.2.
Variant type: single nucleotide variant.
Coding change: c.637C>T on transcript NM_178012.5 (MANE Select); coding-DNA position 637, C replaced by T.
Protein change: p.Arg213Cys; replaces arginine 213 with cysteine.
Molecular consequence: missense variant.
Genome position (GRCh38, 1-based): chr6:3,225,452, G>A on the plus strand (C>T on the coding strand, the complement: TUBB2B is on the minus strand). VCF-style: chr6-3225452-G-A. GRCh37 (hg19) VCF-style: chr6-3225686-G-A.
Other names: short protein forms R213C.
Identifiers: ClinVar variation 1704929 (VCV001704929.3), dbSNP rs2533617471, ClinGen allele CA362587607.